The following is an entry in ClinVar:

ClinVar aggregate classification (germline): Pathogenic (1 of 4 stars; one submission).

Conditions:
Kabuki syndrome. Also called: Kabuki make-up syndrome; NIIKAWA-KUROKI SYNDROME. Identifiers: Orphanet 2322, MedGen C0796004, MONDO:0016512.

Submission:

Labcorp Genetics (formerly Invitae), Labcorp
Classification: Pathogenic for Kabuki syndrome. Last evaluated: 2021-07-27. Review status: criteria provided, single submitter. Criteria: Invitae Variant Classification Sherloc (09022015). Collection method: clinical testing. Allele origin: germline.
Comment: For these reasons, this variant has been classified as Pathogenic. This variant has not been reported in the literature in individuals affected with KMT2D-related conditions. This variant is not present in population databases (ExAC no frequency). This sequence change creates a premature translational stop signal (p.Lys1760Alafs*26) in the KMT2D gene. It is expected to result in an absent or disrupted protein product. Loss-of-function variants in KMT2D are known to be pathogenic (PMID: 22126750).

Literature cited by the submitters: PubMed 22126750.

NM_003482.4(KMT2D):c.5276_5277dup (p.Lys1760fs)

Gene: KMT2D (lysine methyltransferase 2D; minus strand). Cytogenetic location: 12q13.12.
Variant type: Microsatellite.
Coding change: c.5276_5277dup on transcript NM_003482.4 (MANE Select); coding-DNA positions 5276 to 5277, 2 bases duplicated (GC; older notation c.5276_5277dupGC).
Protein change: p.Lys1760fs; shifts the reading frame from lysine 1760.
Molecular consequence: frameshift variant.
Genome position (GRCh38, 1-based): chr12:49,043,910-49,043,911, GC duplicated on the plus strand (GC on the coding strand, the reverse complement: KMT2D is on the minus strand); duplicating any 2 consecutive bases within chr12:49,043,910-49,043,913 gives the same sequence; the c. name uses the placement nearest the transcript's 3' end. VCF-style (leftmost placement, unchanged base first): chr12-49043909-T-TGC. GRCh37 (hg19) VCF-style: chr12-49437692-T-TGC.
Other names: short protein forms K1760fs.
Identifiers: ClinVar variation 1453550 (VCV001453550.6), dbSNP rs2120575149, ClinGen allele CA2580615188.